The following is an entry in ClinVar:

NM_001148.6(ANK2):c.2900+5165A>G

Gene: ANK2 (ankyrin 2; plus strand). Cytogenetic location: 4q26.
Variant type: single nucleotide variant.
Coding change: c.2900+5165A>G on transcript NM_001148.6 (MANE Select); 5165 bases into the intron after coding-DNA position 2900, A replaced by G.
Molecular consequence: intron variant. On other transcripts: missense variant (14).
Genome position (GRCh38, 1-based): chr4:113,323,785, A>G. VCF-style: chr4-113323785-A-G. GRCh37 (hg19) VCF-style: chr4-114244941-A-G.
Other names: c.2864A>G, p.Asp955Gly (NM_001127493.3); c.2969A>G, p.Asp990Gly (NM_001354230.2, NM_001354237.2); c.2927A>G, p.Asp976Gly (NM_001354232.2); c.2861A>G, p.Asp954Gly (NM_001354239.2, NM_001354252.2, NM_001354272.2); c.2828A>G, p.Asp943Gly (NM_001354245.2); c.2765A>G, p.Asp922Gly (NM_001354253.2, NM_001354270.2); c.554A>G, p.Asp185Gly (NM_001354279.2, NM_001354282.2); c.3032A>G, p.Asp1011Gly (NM_001386174.1); and 24 more; short protein forms D1003G, D1011G, D185G, D922G, D943G, D954G, D955G, D976G.
Identifiers: ClinVar variation 1330923 (VCV001330923.8), dbSNP rs759647520, ClinGen allele CA3050723.

ClinVar aggregate classification (germline): Conflicting classifications of pathogenicity. Review status: criteria provided, conflicting classifications (1 of 4 stars). 2 submissions from 2 submitters: Uncertain significance (1); Likely benign (1). Last evaluated 2023-10-16.

Allele frequency attached by ClinVar (database versions not stated): gnomAD 0.00002 and 0.00004; TOPMed 0.00003; gnomAD exomes 0.00004 and 0.00008; ExAC 0.00006.
gnomAD v4.1: 81 of 1,611,668 alleles (0.005%); highest among the groups gnomAD compares: East Asian, 0.12%; no homozygotes.

Submissions (2):

Blueprint Genetics
Classification: Likely benign. Last evaluated: 2023-10-16. Review status: criteria provided, single submitter. Criteria: ACMG Guidelines, 2015. Collection method: clinical testing. Allele origin: germline.

ARUP Laboratories, Molecular Genetics and Genomics, ARUP Laboratories
Classification: Uncertain significance. Last evaluated: 2021-01-15. Review status: criteria provided, single submitter. Criteria: ARUP Molecular Germline Variant Investigation Process 2021. Collection method: clinical testing. Allele origin: germline.
Comment: The ANK2 c.554A>G; p.Asp185Gly variant (rs759647520), also known as p.Asp955Gly in transcript NM_001127493.1, is not reported in the medical literature or gene-specific databases, to our knowledge. This variant is found in the East Asian population with an overall allele frequency of 0.11% (21/19484 alleles) in the Genome Aggregation Database. The aspartate at codon 185 is weakly conserved, but computational analyses are uncertain whether this variant is neutral or deleterious (REVEL: 0.307). Due to limited information, the clinical significance of the p.Asp185Gly variant is uncertain at this time.